The following is an entry in ClinVar:

NM_006466.4(POLR3F):c.918C>A (p.Asn306Lys)

Gene: POLR3F (RNA polymerase III subunit F; plus strand). Cytogenetic location: 20p11.23.
Variant type: single nucleotide variant.
Coding change: c.918C>A on transcript NM_006466.4 (MANE Select); coding-DNA position 918, C replaced by A.
Protein change: p.Asn306Lys; replaces asparagine 306 with lysine.
Molecular consequence: missense variant. On other transcripts: non-coding transcript variant (1).
Genome position (GRCh38, 1-based): chr20:18,483,525, C>A. VCF-style: chr20-18483525-C-A. GRCh37 (hg19) VCF-style: chr20-18464169-C-A.
Other names: c.795C>A, p.Asn265Lys (NM_001282526.2); c.774C>A, p.Asn258Lys (NM_001410821.1); c.918C>A (NM_006466.2); short protein forms N306K, N265K, N258K.
Identifiers: ClinVar variation 2885612 (VCV002885612.6), dbSNP rs184810402, ClinGen allele CA9777658.
Genomic context (GRCh38, chr20:18,483,525, plus strand): 5'-TTTTTCTTTTTTAAAGGTTTTTGATGACTGCCACGAAGGTGGTGAGATTTCACCATCTAA[C>A]TGTATTTACATGACAGAGTGGCTCGAATTTTAATAGAGAGCTATGAACTTTATTGACATT-3'
Protein context (NP_006457.2, residues 296-316): CHEGGEISPS[Asn306Lys]CIYMTEWLEF

ClinVar aggregate classification (germline): Uncertain significance. Review status: criteria provided, multiple submitters, no conflicts (2 of 4 stars). 3 submissions from 3 submitters: Uncertain significance (3). Last evaluated 2026-01-05.

Allele frequency attached by ClinVar (database versions not stated): 1000 Genomes Project 30x 0.00031; ExAC 0.00012; TOPMed 0.00016; 1000 Genomes Project 0.00020; gnomAD exomes 0.00009; gnomAD 0.00010.

Submissions (3):

Labcorp Genetics (formerly Invitae), Labcorp
Classification: Uncertain significance. Last evaluated: 2026-01-05. Review status: criteria provided, single submitter. Criteria: Invitae Variant Classification Sherloc (09022015). Collection method: clinical testing. Allele origin: germline.
Comment: This sequence change replaces asparagine, which is neutral and polar, with lysine, which is basic and polar, at codon 265 of the POLR3F protein (p.Asn265Lys). This variant is present in population databases (rs184810402, gnomAD 0.05%). This variant has not been reported in the literature in individuals affected with POLR3F-related conditions. ClinVar contains an entry for this variant (Variation ID: 2885612). Experimental studies and prediction algorithms are not available or were not evaluated, and the functional significance of this variant is currently unknown. In summary, the available evidence is currently insufficient to determine the role of this variant in disease. Therefore, it has been classified as a Variant of Uncertain Significance.

Dasa
Classification: Uncertain significance. Last evaluated: 2025-07-22. Review status: criteria provided, single submitter. Criteria: DASA Assertion Criteria. Collection method: clinical testing. Allele origin: germline.
Comment: NM_006466.4(POLR3F):c.918C>A (p.Asn306Lys) is a missense variant that results in the substitution of asparagine with lysine. Computational prediction algorithms are consistent with a benign effect. The currently available literature and clinical evidence are not sufficient to establish a definitive association between this variant and the reported condition. Therefore, this variant is classified as a variant of uncertain significance.

Ambry Genetics
Classification: Uncertain significance. Last evaluated: 2024-04-08. Review status: criteria provided, single submitter. Criteria: Ambry Variant Classification Scheme 2023. Collection method: clinical testing. Allele origin: germline.